The following is an entry in ClinVar:

NM_000218.3(KCNQ1):c.1451_1452del (p.Ser484fs)

Genes: KCNQ1 (potassium voltage-gated channel subfamily Q member 1; plus strand), KCNQ1OT1 (KCNQ1 opposite strand/antisense transcript 1; minus strand). Cytogenetic location: 11p15.5.
Variant type: Deletion.
Coding change: c.1451_1452del on transcript NM_000218.3 (MANE Select); coding-DNA positions 1451 to 1452, 2 bases deleted (GC; older notation c.1451_1452delGC).
Protein change: p.Ser484fs; shifts the reading frame from serine 484.
Molecular consequence: frameshift variant. On other transcripts: non-coding transcript variant (1).
Genome position (GRCh38, 1-based): chr11:2,662,018-2,662,019, GC deleted. VCF-style (leftmost placement, unchanged base first): chr11-2662017-AGC-A. GRCh37 (hg19) VCF-style: chr11-2683247-AGC-A.
Other names: c.1355_1356del, p.Ser452fs (NM_001406836.1); c.1181_1182del, p.Ser394fs (NM_001406837.1); c.911_912del, p.Ser304fs (NM_001406838.1); c.1070_1071del, p.Ser357fs (NM_181798.2); short protein forms S304fs, S357fs, S394fs, S452fs, S484fs.
Identifiers: ClinVar variation 3893242 (VCV003893242.1).

ClinVar aggregate classification (germline): Likely pathogenic (1 of 4 stars; one submission).

Conditions:
Long QT syndrome 1 (LQT1). Identifiers: Orphanet 101016, Orphanet 768, MedGen C4551647, MONDO:0100316, OMIM 192500, MONDO:0008646.

Submission:

Illumina Laboratory Services, Illumina
Classification: Likely pathogenic for Long QT syndrome 1. Last evaluated: 2024-01-09. Review status: criteria provided, single submitter. Criteria: ICSLVariantClassificationCriteria RUGD 01 April 2020. Collection method: clinical testing. Allele origin: unknown.
Comment: The KCNQ1 c.1451_1458delinsT p.(Ser484MetfsTer12), variant causes a shift in the protein reading frame that is predicted to result in premature termination of the protein. Loss of normal protein function through either protein truncation or nonsense-mediated mRNA decay is expected. To our knowledge, this variant has not been reported in the peer-reviewed literature. This variant is not observed in version 2.1.1 or version 4.0.0 of the Genome Aggregation Database. Based on the available evidence, the c.1451_1458delinsT p.(Ser484MetfsTer12) variant is classified as likely pathogenic for long QT syndrome.